The following is an entry in ClinVar:

ClinVar aggregate classification (germline): Conflicting classifications of pathogenicity. Review status: criteria provided, conflicting classifications (1 of 4 stars). 3 submissions from 3 submitters: Uncertain significance (2); Likely benign (1). Last evaluated 2025-11-24.

Conditions:
Nephrolithiasis/nephrocalcinosis. Identifiers: MedGen CN580796.
Familial hypocalciuric hypercalcemia (FHH). Also called: Familial benign hypercalcemia. Identifiers: Orphanet 405, MedGen C1809471, MONDO:0018458.
Autosomal dominant hypocalcemia 1 (HYPOC1). Also called: HYPOCALCEMIA, FAMILIAL. Identifiers: MedGen C3715128, MONDO:0011013, OMIM 601198.

Allele frequency attached by ClinVar (database versions not stated): gnomAD 0.00001; gnomAD exomes 0.00003 and 0.00002; ExAC 0.00004; TOPMed 0.00001.
gnomAD v4.1: 25 of 1,613,950 alleles (0.0015%); highest among the groups gnomAD compares: South Asian, 0.012%; no homozygotes.

Submissions (3):

Labcorp Genetics (formerly Invitae), Labcorp
Classification: Likely benign for Familial hypocalciuric hypercalcemia; Autosomal dominant hypocalcemia 1. Last evaluated: 2025-11-24. Review status: criteria provided, single submitter. Criteria: Invitae Variant Classification Sherloc (09022015). Collection method: clinical testing. Allele origin: germline.

Women's Health and Genetics/Laboratory Corporation of America, LabCorp
Classification: Uncertain significance. Last evaluated: 2023-10-19. Review status: criteria provided, single submitter. Criteria: LabCorp Variant Classification Summary - May 2015. Collection method: clinical testing. Allele origin: germline.
Comment: Variant summary: CASR c.1861G>A (p.Val621Met) results in a conservative amino acid change located in the GPCR family 3, C-terminal domain (IPR017978) of the encoded protein sequence. Three of five in-silico tools predict a benign effect of the variant on protein function. The variant allele was found at a frequency of 3.2e-05 in 251474 control chromosomes (gnomAD). c.1861G>A has been reported in the literature in an individual affected with Sporadic idiopathic hypoparathyroidism, however, probands' mother and brother also carried the variant and did not have clinical features of hypoparathyroidism (example: Sarin_2006). This report provides evidence against causality however, is not sufficient to make unequivocal conclusions about association of the variant with Autosomal Dominant Hypocalcemia. To our knowledge, no experimental evidence demonstrating an impact on protein function has been reported. The following publication has been ascertained in the context of this evaluation (PMID: 16918956). Two submitters have cited clinical-significance assessments for this variant to ClinVar after 2014. All submitters classified the variant as uncertain significance. Based on the evidence outlined above, the variant was classified as uncertain significance.

Ambry Genetics
Classification: Uncertain significance for Nephrolithiasis/nephrocalcinosis. Last evaluated: 2023-02-16. Review status: criteria provided, single submitter. Criteria: Ambry Variant Classification Scheme 2023. Collection method: clinical testing. Allele origin: germline.
Comment: The p.V621M variant (also known as c.1861G>A), located in coding exon 6 of the CASR gene, results from a G to A substitution at nucleotide position 1861. The valine at codon 621 is replaced by methionine, an amino acid with highly similar properties. This amino acid position is well conserved in available vertebrate species. In addition, the in silico prediction for this alteration is inconclusive. Since supporting evidence is limited at this time, the clinical significance of this alteration remains unclear.

Literature cited by the submitters: PubMed 16918956 (cited by Women's Health and Genetics/Laboratory Corporation of America, LabCorp and Ambry Genetics).

NM_000388.4(CASR):c.1861G>A (p.Val621Met)

Gene: CASR (calcium sensing receptor; plus strand). Cytogenetic location: 3q21.1.
Variant type: single nucleotide variant.
Coding change: c.1861G>A on transcript NM_000388.4 (MANE Select); coding-DNA position 1861, G replaced by A.
Protein change: p.Val621Met; replaces valine 621 with methionine.
Molecular consequence: missense variant.
Genome position (GRCh38, 1-based): chr3:122,283,815, G>A. VCF-style: chr3-122283815-G-A. GRCh37 (hg19) VCF-style: chr3-122002662-G-A.
Other names: c.1891G>A, p.Val631Met (NM_001178065.2); short protein forms V621M, V631M.
Identifiers: ClinVar variation 660430 (VCV000660430.12), dbSNP rs751538967, ClinGen allele CA2569754.